The following is an entry in ClinVar:

NM_178857.6(RP1L1):c.5618A>G (p.Asp1873Gly)

Gene: RP1L1 (RP1 like 1). Cytogenetic location: 8p23.1.
Variant type: single nucleotide variant.
Coding change: c.5618A>G on transcript NM_178857.6 (MANE Select); coding-DNA position 5618, A replaced by G.
Protein change: p.Asp1873Gly; replaces aspartic acid 1873 with glycine.
Molecular consequence: missense variant.
Genome position (GRCh38, 1-based): chr8:10,608,480, T>C on the plus strand (A>G on the coding strand, the complement: RP1L1 is on the minus strand). VCF-style: chr8-10608480-T-C. GRCh37 (hg19) VCF-style: chr8-10465990-T-C.
Other names: short protein forms D1873G.
Identifiers: ClinVar variation 361246 (VCV000361246.8), dbSNP rs200622636, ClinGen allele CA4623590.

ClinVar aggregate classification (germline): Benign/Likely benign. Review status: criteria provided, multiple submitters, no conflicts (2 of 4 stars). 4 submissions from 4 submitters: Benign (3); Likely benign (1). Last evaluated 2024-06-28.

Conditions:
Occult macular dystrophy (OCMD). Also called: OMD; OCCULT MACULAR DYSTROPHY, SUSCEPTIBILITY TO. Identifiers: Orphanet 247834, MedGen C3150833, MONDO:0013316, OMIM 613587, HP:0030636.
Retinal dystrophy. Also called: Inherited retinal dystrophy. Identifiers: Orphanet 71862, MedGen C0854723, MeSH D058499, MONDO:0019118, HP:0000556.

Allele frequency attached by ClinVar (database versions not stated): 1000 Genomes Project 0.04153.

Submissions (4):

Blueprint Genetics
Classification: Likely benign. Last evaluated: 2024-06-28. Review status: criteria provided, single submitter. Criteria: ACMG Guidelines, 2015. Collection method: clinical testing. Allele origin: germline.

Dept Of Ophthalmology, Nagoya University
Classification: Benign for Retinal dystrophy. Last evaluated: 2023-10-01. Review status: criteria provided, single submitter. Criteria: Submitter's publication. Collection method: research. Allele origin: germline. Affected: yes.

Illumina Laboratory Services, Illumina
Classification: Benign for Occult macular dystrophy. Last evaluated: 2018-01-13. Review status: criteria provided, single submitter. Criteria: ICSL Variant Classification Criteria 13 December 2019. Collection method: clinical testing. Allele origin: germline.
Comment: This variant was observed in the ICSL laboratory as part of a predisposition screen in an ostensibly healthy population. It had not been previously curated by ICSL or reported in the Human Gene Mutation Database (HGMD: prior to June 1st, 2018), and was therefore a candidate for classification through an automated scoring system. Utilizing variant allele frequency, disease prevalence and penetrance estimates, and inheritance mode, an automated score was calculated to assess if this variant is too frequent to cause the disease. Based on the score and internal cut-off values, a variant classified as benign is not then subjected to further curation. The score for this variant resulted in a classification of benign for this disease.

Breakthrough Genomics
Classification: Benign. Review status: criteria provided, single submitter. Criteria: ACMG Guidelines, 2015. Collection method: not provided. Allele origin: germline. Inheritance: Autosomal recessive inheritance. Affected: yes.